The following is an entry in ClinVar:

NM_194454.3(KRIT1):c.917G>T (p.Arg306Leu)

Gene: KRIT1 (KRIT1 ankyrin repeat containing; minus strand). Cytogenetic location: 7q21.2.
Variant type: single nucleotide variant.
Coding change: c.917G>T on transcript NM_194454.3 (MANE Select); coding-DNA position 917, G replaced by T.
Protein change: p.Arg306Leu; replaces arginine 306 with leucine.
Molecular consequence: missense variant. On other transcripts: intron variant (3).
Genome position (GRCh38, 1-based): chr7:92,234,521, C>A on the plus strand (G>T on the coding strand, the complement: KRIT1 is on the minus strand). VCF-style: chr7-92234521-C-A. GRCh37 (hg19) VCF-style: chr7-91863835-C-A.
Other names: c.203G>T, p.Arg68Leu (NM_001350671.1); c.917G>T, p.Arg306Leu (NM_001350672.1, NM_001350673.1, NM_001350674.1 and 26 more transcripts); c.845+287G>T (NM_001350669.1, NM_001013406.2, NM_001350670.1); short protein forms R306L, R68L.
Identifiers: ClinVar variation 4055922 (VCV004055922.1).

ClinVar aggregate classification (germline): Uncertain significance (1 of 4 stars; one submission).

Submission:

GeneDx
Classification: Uncertain significance. Last evaluated: 2025-01-02. Review status: criteria provided, single submitter. Criteria: GeneDx Variant Classification Process June 2021. Collection method: clinical testing. Allele origin: germline. Affected: yes.
Comment: Not observed at significant frequency in large population cohorts (gnomAD); In silico analysis indicates that this missense variant does not alter protein structure/function; Has not been previously published as pathogenic or benign to our knowledge